The following is an entry in ClinVar:

ClinVar aggregate classification (germline): Uncertain significance (1 of 4 stars; one submission).

Conditions:
TTN-related disorder. Also called: TTN-related condition; TTN-related disease; TTN-related disorders.

gnomAD v4.1: 2 of 1,613,366 alleles (0.00012%); highest among the groups gnomAD compares: African/African-American, 0.0027%; no homozygotes.

Submission:

PreventionGenetics, part of Exact Sciences
Classification: Uncertain significance for TTN-related condition. Last evaluated: 2026-07-01. Review status: criteria provided, single submitter. Criteria: ACMG Guidelines, 2015. Collection method: clinical testing. Allele origin: germline.
Comment: The TTN c.77940T>A variant is predicted to result in the amino acid substitution p.Asp25980Glu. To our knowledge, this variant has not been reported in the literature. This variant is reported in 0.011% of alleles in individuals of African descent in gnomAD. At this time, the clinical significance of this variant is uncertain due to the absence of conclusive functional and genetic evidence.

NM_001267550.2(TTN):c.77940T>A (p.Asp25980Glu)

Genes: TTN (titin; minus strand), TTN-AS1 (TTN antisense RNA 1; plus strand). Cytogenetic location: 2q31.2.
Variant type: single nucleotide variant.
Coding change: c.77940T>A on transcript NM_001267550.2 (MANE Select); coding-DNA position 77940, T replaced by A.
Protein change: p.Asp25980Glu; replaces aspartic acid 25980 with glutamic acid.
Molecular consequence: missense variant.
Genome position (GRCh38, 1-based): chr2:178,568,192, A>T on the plus strand (T>A on the coding strand, the complement: TTN is on the minus strand). VCF-style: chr2-178568192-A-T. GRCh37 (hg19) VCF-style: chr2-179432919-A-T.
Other names: c.73017T>A, p.Asp24339Glu (NM_001256850.1); c.50745T>A, p.Asp16915Glu (NM_003319.4); c.70236T>A, p.Asp23412Glu (NM_133378.4); c.51120T>A, p.Asp17040Glu (NM_133432.3); c.51321T>A, p.Asp17107Glu (NM_133437.4); short protein forms D17040E, D24339E, D23412E, D25980E, D17107E, D16915E.
Identifiers: ClinVar variation 4978168 (VCV004978168.1).